The following is an entry in ClinVar:

NM_005751.5(AKAP9):c.134G>A (p.Ser45Asn)

Gene: AKAP9 (A-kinase anchoring protein 9; plus strand). Cytogenetic location: 7q21.2.
Variant type: single nucleotide variant.
Coding change: c.134G>A on transcript NM_005751.5 (MANE Select); coding-DNA position 134, G replaced by A.
Protein change: p.Ser45Asn; replaces serine 45 with asparagine.
Molecular consequence: missense variant.
Genome position (GRCh38, 1-based): chr7:91,973,796, G>A. VCF-style: chr7-91973796-G-A. GRCh37 (hg19) VCF-style: chr7-91603110-G-A.
Other names: c.134G>A, p.Ser45Asn (NM_147185.3); short protein forms S45N.
Identifiers: ClinVar variation 1903245 (VCV001903245.5), dbSNP rs1795356848, ClinGen allele CA368118526.

ClinVar aggregate classification (germline): Uncertain significance (1 of 4 stars; one submission).

Conditions:
Long QT syndrome (LQTS). Identifiers: MedGen C0023976, MeSH D008133, MONDO:0002442. Disease mechanism: loss of function. Inheritance: Various modes of inheritance.

Allele frequency attached by ClinVar (database versions not stated): gnomAD exomes below 0.00001; TOPMed 0.00001.
gnomAD v4.1: 1 of 1,614,034 alleles (0.000062%); highest among the groups gnomAD compares: Non-Finnish European, 0.000085%; no homozygotes.

Submission:

Labcorp Genetics (formerly Invitae), Labcorp
Classification: Uncertain significance for Long QT syndrome. Last evaluated: 2023-08-03. Review status: criteria provided, single submitter. Criteria: Invitae Variant Classification Sherloc (09022015). Collection method: clinical testing. Allele origin: germline.
Comment: This variant has not been reported in the literature in individuals affected with AKAP9-related conditions. In summary, the available evidence is currently insufficient to determine the role of this variant in disease. Therefore, it has been classified as a Variant of Uncertain Significance. An algorithm developed to predict the effect of missense changes on protein structure and function (PolyPhen-2) suggests that this variant is likely to be tolerated. ClinVar contains an entry for this variant (Variation ID: 1903245). This variant is not present in population databases (gnomAD no frequency). This sequence change replaces serine, which is neutral and polar, with asparagine, which is neutral and polar, at codon 45 of the AKAP9 protein (p.Ser45Asn).